The following is an entry in ClinVar:

NM_024426.6(WT1):c.15G>A (p.Leu5=)

Genes: WT1 (WT1 transcription factor; minus strand), LOC107982234 (WT1/WT1-AS bi-directional promoter region; plus strand). Cytogenetic location: 11p13.
Variant type: single nucleotide variant.
Coding change: c.15G>A on transcript NM_024426.6 (MANE Select); coding-DNA position 15, G replaced by A.
Protein change: p.Leu5=; no amino-acid change (leucine 5 retained).
Molecular consequence: synonymous variant. On other transcripts: 5 prime UTR variant (4), non-coding transcript variant (2).
Genome position (GRCh38, 1-based): chr11:32,435,346, C>T on the plus strand (G>A on the coding strand, the complement: WT1 is on the minus strand). VCF-style: chr11-32435346-C-T. GRCh37 (hg19) VCF-style: chr11-32456892-C-T.
Other names: c.15G>A, p.Leu5= (NM_000378.6, NM_001407044.1, NM_001407045.1 and 6 more transcripts); c.-205G>A (NM_001429031.1, NM_001429032.1, NM_001429033.1 and 1 more transcripts).
Identifiers: ClinVar variation 3817483 (VCV003817483.1).

ClinVar aggregate classification (germline): Uncertain significance (1 of 4 stars; one submission).

Conditions:
Inborn genetic diseases. Identifiers: MedGen C0950123, MeSH D030342.

Submission:

Ambry Genetics
Classification: Uncertain significance for Inborn genetic diseases. Last evaluated: 2025-02-26. Review status: criteria provided, single submitter. Criteria: Ambry Variant Classification Scheme 2023. Collection method: clinical testing. Allele origin: germline.
Comment: The c.-1G>A variant is located in the 5' untranslated region (5&rsquo; UTR) of the WT1 gene. This variant results from a G to A substitution 1 bases upstream from the first translated codon. This nucleotide position is well conserved in available vertebrate species. Although this variant falls within the 5'UTR of transcript NM_024426.4, it is a synonymous variant (c.15G>A p.L5=) in the MANE Select transcript (NM_024426.6).This nucleotide position is well conserved in available vertebrate species. Based on the available evidence, the clinical significance of this variant remains unclear.